The following is an entry in ClinVar:

NM_007194.4(CHEK2):c.555C>A (p.Asn185Lys)

Gene: CHEK2 (checkpoint kinase 2; minus strand). Cytogenetic location: 22q12.1.
Variant type: single nucleotide variant.
Coding change: c.555C>A on transcript NM_007194.4 (MANE Select); coding-DNA position 555, C replaced by A.
Protein change: p.Asn185Lys; replaces asparagine 185 with lysine.
Molecular consequence: missense variant. On other transcripts: 5 prime UTR variant (2), intron variant (1).
Genome position (GRCh38, 1-based): chr22:28,725,014, G>T on the plus strand (C>A on the coding strand, the complement: CHEK2 is on the minus strand). VCF-style: chr22-28725014-G-T. GRCh37 (hg19) VCF-style: chr22-29121002-G-T.
Other names: c.684C>A, p.Asn228Lys (NM_001005735.3, NM_001438294.1); c.-223C>A (NM_001257387.3); c.-109C>A (NM_001437942.1); c.648C>A, p.Asn216Lys (NM_001438293.1, NM_001438295.1); c.555C>A, p.Asn185Lys (NM_145862.3); c.445-91C>A (NM_001349956.3); short protein forms N185K, N228K, N216K.
Identifiers: ClinVar variation 481712 (VCV000481712.15), dbSNP rs780782542, ClinGen allele CA411107148.
Genomic context (GRCh38, chr22:28,725,014, plus strand): 5'-TAACCATAAGATAATAATATTACCTTTATTTCTGCTTAGTGACAGTGCAATTTCAGAATT[G>T]TTATTCAAAGGACGGCGTTTTCCTTTCCCTACAAGCTCTGTATTTACAAAGGTTCCATTG-3'
Protein context (NP_009125.1, residues 175-195): VGKGKRRPLN[Asn185Lys]NSEIALSLSR

ClinVar aggregate classification (germline): Uncertain significance. Review status: criteria provided, multiple submitters, no conflicts (2 of 4 stars). 2 submissions from 2 submitters: Uncertain significance (2). Last evaluated 2025-02-11.

Conditions:
Hereditary cancer-predisposing syndrome. Also called: Neoplastic Syndromes, Hereditary; Tumor predisposition; Hereditary Cancer Syndrome; Hereditary neoplastic syndrome. Identifiers: Orphanet 140162, MedGen C0027672, MeSH D009386, MONDO:0015356.
Familial cancer of breast. Also called: BREAST CANCER, FAMILIAL; Hereditary breast cancer; hereditary breast carcinoma. Identifiers: Orphanet 227535, MedGen C0346153, MONDO:0016419, OMIM 114480. Disease mechanism: loss of function.

Allele frequency attached by ClinVar (database versions not stated): TOPMed below 0.00001.

Submissions (2):

Ambry Genetics
Classification: Uncertain significance for Hereditary cancer-predisposing syndrome. Last evaluated: 2025-02-11. Review status: criteria provided, single submitter. Criteria: Ambry Variant Classification Scheme 2023. Collection method: clinical testing. Allele origin: germline.
Comment: The p.N185K variant (also known as c.555C>A), located in coding exon 3 of the CHEK2 gene, results from a C to A substitution at nucleotide position 555. The asparagine at codon 185 is replaced by lysine, an amino acid with similar properties. This variant was identified in a cohort of 3,579 African males diagnosed with prostate cancer who underwent multi-gene panel testing of 19 DNA repair and cancer predisposition genes (Matejcic M et al. JCO Precis Oncol, 2020 Jan;4:32-43). This alteration behaved as semi-functional in an in vivo, yeast-based growth rate assay (Delimitsou A et al. Hum Mutat. 2019 May;40(5):631-648) and was reported as functional in a study assessing CHEK2-complementation through quantification of KAP1 phosphorylation and CHK2 autophosphorylation in human RPE1-CHEK2-knockout cells (Stolarova L et al. Clin Cancer Res. 2023 Aug;29(16):3037-3050). This amino acid position is well conserved in available vertebrate species. In addition, the in silico prediction for this alteration is inconclusive. Based on the available evidence, the clinical significance of this variant remains unclear.

Labcorp Genetics (formerly Invitae), Labcorp
Classification: Uncertain significance for Familial cancer of breast. Last evaluated: 2023-12-18. Review status: criteria provided, single submitter. Criteria: Invitae Variant Classification Sherloc (09022015). Collection method: clinical testing. Allele origin: germline.
Comment: This sequence change replaces asparagine, which is neutral and polar, with lysine, which is basic and polar, at codon 185 of the CHEK2 protein (p.Asn185Lys). This variant is not present in population databases (gnomAD no frequency). This variant has not been reported in the literature in individuals affected with CHEK2-related conditions. ClinVar contains an entry for this variant (Variation ID: 481712). An algorithm developed to predict the effect of missense changes on protein structure and function (PolyPhen-2) suggests that this variant is likely to be disruptive. In summary, the available evidence is currently insufficient to determine the role of this variant in disease. Therefore, it has been classified as a Variant of Uncertain Significance.

Literature cited by the submitters: PubMed 30851065 (cited by Ambry Genetics); PubMed 32832836 (cited by Ambry Genetics); PubMed 37449874 (cited by Ambry Genetics).